The following is an entry in ClinVar:

ClinVar aggregate classification (germline): Uncertain significance (1 of 4 stars; one submission).

Conditions:
Singleton-Merten syndrome 1 (SGMRT1). Also called: Widened medullary cavities of bone, aortic calcification, abnormal dentition, and muscular weakness; Syndrome of widened medullary cavities of the metacarpals and phalanges, aortic calcification and abnormal dentition. Identifiers: Orphanet 85191, MedGen C4225427, MONDO:0024535, OMIM 182250.
Aicardi-Goutieres syndrome 7 (AGS7). Identifiers: Orphanet 51, MedGen C3888244, MONDO:0014367, OMIM 615846.

gnomAD v4.1: 1 of 1,603,396 alleles (0.000062%); no homozygotes.

Submission:

Labcorp Genetics (formerly Invitae), Labcorp
Classification: Uncertain significance for Aicardi-Goutieres syndrome 7; Singleton-Merten syndrome 1. Last evaluated: 2025-06-03. Review status: criteria provided, single submitter. Criteria: Invitae Variant Classification Sherloc (09022015). Collection method: clinical testing. Allele origin: germline.
Comment: This sequence change replaces lysine, which is basic and polar, with arginine, which is basic and polar, at codon 587 of the IFIH1 protein (p.Lys587Arg). This variant is not present in population databases (gnomAD no frequency). This variant has not been reported in the literature in individuals affected with IFIH1-related conditions. Invitae Evidence Modeling of protein sequence and biophysical properties (such as structural, functional, and spatial information, amino acid conservation, physicochemical variation, residue mobility, and thermodynamic stability) has been performed for this missense variant. However, the output from this modeling did not meet the statistical confidence thresholds required to predict the impact of this variant on IFIH1 protein function. In summary, the available evidence is currently insufficient to determine the role of this variant in disease. Therefore, it has been classified as a Variant of Uncertain Significance.

NM_022168.4(IFIH1):c.1760A>G (p.Lys587Arg)

Gene: IFIH1 (interferon induced with helicase C domain 1; minus strand). Cytogenetic location: 2q24.2.
Variant type: single nucleotide variant.
Coding change: c.1760A>G on transcript NM_022168.4 (MANE Select); coding-DNA position 1760, A replaced by G.
Protein change: p.Lys587Arg; replaces lysine 587 with arginine.
Molecular consequence: missense variant.
Genome position (GRCh38, 1-based): chr2:162,278,210, T>C on the plus strand (A>G on the coding strand, the complement: IFIH1 is on the minus strand). VCF-style: chr2-162278210-T-C. GRCh37 (hg19) VCF-style: chr2-163134720-T-C.
Other names: short protein forms K587R.
Identifiers: ClinVar variation 4789315 (VCV004789315.1).